The following is an entry in ClinVar:

ClinVar aggregate classification (germline): Uncertain significance (1 of 4 stars; one submission).

Submission:

Labcorp Genetics (formerly Invitae), Labcorp
Classification: Uncertain significance. Last evaluated: 2023-02-02. Review status: criteria provided, single submitter. Criteria: Invitae Variant Classification Sherloc (09022015). Collection method: clinical testing. Allele origin: germline.
Comment: This sequence change replaces alanine, which is neutral and non-polar, with valine, which is neutral and non-polar, at codon 3463 of the KMT2A protein (p.Ala3463Val). This variant is not present in population databases (gnomAD no frequency). This variant has not been reported in the literature in individuals affected with KMT2A-related conditions. Advanced modeling of protein sequence and biophysical properties (such as structural, functional, and spatial information, amino acid conservation, physicochemical variation, residue mobility, and thermodynamic stability) performed at Invitae indicates that this missense variant is not expected to disrupt KMT2A protein function. In summary, the available evidence is currently insufficient to determine the role of this variant in disease. Therefore, it has been classified as a Variant of Uncertain Significance.

NM_001197104.2(KMT2A):c.10388C>T (p.Ala3463Val)

Gene: KMT2A (lysine methyltransferase 2A; plus strand). Cytogenetic location: 11q23.3.
Variant type: single nucleotide variant.
Coding change: c.10388C>T on transcript NM_001197104.2 (MANE Select); coding-DNA position 10388, C replaced by T.
Protein change: p.Ala3463Val; replaces alanine 3463 with valine.
Molecular consequence: missense variant.
Genome position (GRCh38, 1-based): chr11:118,506,280, C>T. VCF-style: chr11-118506280-C-T. GRCh37 (hg19) VCF-style: chr11-118376995-C-T.
Other names: c.10478C>T, p.Ala3493Val (NM_001412597.1); c.10379C>T, p.Ala3460Val (NM_005933.4); short protein forms A3460V, A3493V, A3463V.
Identifiers: ClinVar variation 2804972 (VCV002804972.3), dbSNP rs2134412308, ClinGen allele CA382825592.